The following is an entry in ClinVar:

ClinVar aggregate classification (germline): Benign (1 of 4 stars; one submission).

Allele frequency attached by ClinVar (database versions not stated): 1000 Genomes Project 0.03674; TOPMed 0.03681; 1000 Genomes Project 30x 0.03716; gnomAD 0.04206 and 0.04392.
gnomAD v4.1: 56,496 of 1,136,048 alleles (5%); highest among the groups gnomAD compares: South Asian, 8.2%; 1,771 homozygotes.

Submission:

GeneDx
Classification: Benign. Last evaluated: 2018-06-14. Review status: criteria provided, single submitter. Criteria: GeneDx Variant Classification (06012015). Collection method: clinical testing. Allele origin: germline. Affected: yes.
Comment: This variant is considered likely benign or benign based on one or more of the following criteria: it is a conservative change, it occurs at a poorly conserved position in the protein, it is predicted to be benign by multiple in silico algorithms, and/or has population frequency not consistent with disease.

NM_024577.4(SH3TC2):c.3205-138G>A

Gene: SH3TC2 (SH3 domain and tetratricopeptide repeats 2; minus strand). Cytogenetic location: 5q32.
Variant type: single nucleotide variant.
Coding change: c.3205-138G>A on transcript NM_024577.4 (MANE Select); 138 bases into the intron before coding-DNA position 3205, G replaced by A.
Molecular consequence: intron variant.
Genome position (GRCh38, 1-based): chr5:149,010,530, C>T on the plus strand (G>A on the coding strand, the complement: SH3TC2 is on the minus strand). VCF-style: chr5-149010530-C-T. GRCh37 (hg19) VCF-style: chr5-148390093-C-T.
Identifiers: ClinVar variation 676670 (VCV000676670.1), dbSNP rs77231639, ClinGen allele CA11947345.